The following is an entry in ClinVar:

ClinVar aggregate classification (germline): Likely pathogenic (1 of 4 stars; one submission).

Conditions:
UBR1-related disorder. Also called: UBR1-related condition.

Submission:

PreventionGenetics, part of Exact Sciences
Classification: Likely pathogenic for UBR1-related condition. Last evaluated: 2023-09-14. Review status: criteria provided, single submitter. Criteria: ACMG Guidelines, 2015. Collection method: clinical testing. Allele origin: germline.
Comment: The UBR1 c.1318delG variant is predicted to result in a frameshift and premature protein termination (p.Val440Serfs*7). To our knowledge, this variant has not been reported in the literature or in a large population database, indicating this variant is rare. Frameshift variants in UBR1 are expected to be pathogenic. This variant is interpreted as likely pathogenic.

NM_174916.3(UBR1):c.1318del (p.Val440fs)

Gene: UBR1 (ubiquitin protein ligase E3 component n-recognin 1; minus strand). Cytogenetic location: 15q15.2.
Variant type: Deletion.
Coding change: c.1318del on transcript NM_174916.3 (MANE Select); coding-DNA position 1318, one base deleted (G; older notation c.1318delG).
Protein change: p.Val440fs; shifts the reading frame from valine 440.
Molecular consequence: frameshift variant.
Genome position (GRCh38, 1-based): chr15:43,054,863, C deleted on the plus strand (G on the coding strand, the reverse complement: UBR1 is on the minus strand). VCF-style (leftmost placement, unchanged base first): chr15-43054862-AC-A. GRCh37 (hg19) VCF-style: chr15-43347060-AC-A.
Other names: short protein forms V440fs.
Identifiers: ClinVar variation 2630803 (VCV002630803.1), dbSNP rs2543005722, ClinGen allele CA2695197271.
Genomic context (GRCh38, chr15:43,054,862, plus strand): 5'-TTGAATTTATTGTTCCTGTCCAAGTACTCAGGTAAAACTTCTAGCAGAGTTTCAGTAATG[AC>A]AGAGATAACATTCTGCTCTTCAATAAGATGTCGAGCCTGCGGAATATTTCAAGAATATTT-3'